The following is an entry in ClinVar:

ClinVar aggregate classification (germline): Likely benign (1 of 4 stars; one submission).

Submission:

CeGaT Center for Human Genetics Tuebingen
Classification: Likely benign. Last evaluated: 2026-06-01. Review status: criteria provided, single submitter. Criteria: CeGaT Center For Human Genetics Tuebingen Variant Classification Criteria Version 2. Collection method: clinical testing. Allele origin: germline. Affected: yes. Observed: 1 variant allele.
Comment: TMEM151A: BS1

NM_153266.4(TMEM151A):c.229G>A (p.Ala77Thr)

Gene: TMEM151A (transmembrane protein 151A; plus strand). Cytogenetic location: 11q13.2.
Variant type: single nucleotide variant.
Coding change: c.229G>A on transcript NM_153266.4 (MANE Select); coding-DNA position 229, G replaced by A.
Protein change: p.Ala77Thr; replaces alanine 77 with threonine.
Molecular consequence: missense variant.
Genome position (GRCh38, 1-based): chr11:66,294,475, G>A. VCF-style: chr11-66294475-G-A. GRCh37 (hg19) VCF-style: chr11-66061946-G-A.
Other names: short protein forms A77T.
Identifiers: ClinVar variation 4872165 (VCV004872165.2).